The following is an entry in ClinVar:

ClinVar aggregate classification (germline): Uncertain significance (1 of 4 stars; one submission).

Conditions:
Acromesomelic dysplasia 1, Maroteaux type (AMD1). Also called: ST. HELENA DYSPLASIA; ACROMESOMELIC DYSPLASIA 1. Identifiers: Orphanet 40, MedGen C1864356, MONDO:0011275, OMIM 602875.
Tall stature-scoliosis-macrodactyly of the great toes syndrome. Also called: Epiphyseal chondrodysplasia, miura type. Identifiers: Orphanet 329191, MedGen C4014690, MONDO:0014401, OMIM 615923.

gnomAD v4.1: 4 of 1,605,594 alleles (0.00025%); highest among the groups gnomAD compares: Non-Finnish European, 0.00034%; no homozygotes.

Submission:

Labcorp Genetics (formerly Invitae), Labcorp
Classification: Uncertain significance for Tall stature-scoliosis-macrodactyly of the great toes syndrome; Acromesomelic dysplasia 1, Maroteaux type. Last evaluated: 2024-09-15. Review status: criteria provided, single submitter. Criteria: Invitae Variant Classification Sherloc (09022015). Collection method: clinical testing. Allele origin: germline.
Comment: This sequence change replaces glutamic acid, which is acidic and polar, with valine, which is neutral and non-polar, at codon 211 of the NPR2 protein (p.Glu211Val). This variant is not present in population databases (gnomAD no frequency). This variant has not been reported in the literature in individuals affected with NPR2-related conditions. Invitae Evidence Modeling of protein sequence and biophysical properties (such as structural, functional, and spatial information, amino acid conservation, physicochemical variation, residue mobility, and thermodynamic stability) indicates that this missense variant is not expected to disrupt NPR2 protein function with a negative predictive value of 80%. In summary, the available evidence is currently insufficient to determine the role of this variant in disease. Therefore, it has been classified as a Variant of Uncertain Significance.

NM_003995.4(NPR2):c.632A>T (p.Glu211Val)

Gene: NPR2 (natriuretic peptide receptor 2; plus strand). Cytogenetic location: 9p13.3.
Variant type: single nucleotide variant.
Coding change: c.632A>T on transcript NM_003995.4 (MANE Select); coding-DNA position 632, A replaced by T.
Protein change: p.Glu211Val; replaces glutamic acid 211 with valine.
Molecular consequence: missense variant.
Genome position (GRCh38, 1-based): chr9:35,793,040, A>T. VCF-style: chr9-35793040-A-T. GRCh37 (hg19) VCF-style: chr9-35793037-A-T.
Other names: c.632A>T, p.Glu211Val (NM_001378923.1); short protein forms E211V.
Identifiers: ClinVar variation 3758358 (VCV003758358.2).